The following is an entry in ClinVar:

ClinVar aggregate classification (germline): Likely benign. Review status: criteria provided, multiple submitters, no conflicts (2 of 4 stars). 7 submissions from 7 submitters: Likely benign (7). Last evaluated 2026-04-01.

Conditions:
Ullrich congenital muscular dystrophy 2 (UCMD2). Identifiers: Orphanet 75840, MedGen C4225314, MONDO:0014654, OMIM 616470.
Bethlem myopathy 2 (BTHLM2). Identifiers: Orphanet 536516, Orphanet 610, MedGen C4225313, MONDO:0034022, OMIM 616471.

Allele frequency attached by ClinVar (database versions not stated): 1000 Genomes Project 30x 0.00016; 1000 Genomes Project 0.00020; gnomAD exomes 0.00023 and 0.00033; gnomAD 0.00024 and 0.00026; TOPMed 0.00025; ExAC 0.00028; ESP Exome Variant Server 0.00042.
gnomAD v4.1: 511 of 1,613,974 alleles (0.032%); highest among the groups gnomAD compares: Non-Finnish European, 0.041%; no homozygotes.

Submissions (7):

CeGaT Center for Human Genetics Tuebingen
Classification: Likely benign. Last evaluated: 2026-04-01. Review status: criteria provided, single submitter. Criteria: CeGaT Center For Human Genetics Tuebingen Variant Classification Criteria Version 2. Collection method: clinical testing. Allele origin: germline. Affected: yes. Observed: 2 variant alleles.
Comment: COL12A1: BP4, BP7

Labcorp Genetics (formerly Invitae), Labcorp
Classification: Likely benign for Bethlem myopathy 2; Ullrich congenital muscular dystrophy 2. Last evaluated: 2026-02-01. Review status: criteria provided, single submitter. Criteria: Invitae Variant Classification Sherloc (09022015). Collection method: clinical testing. Allele origin: germline.

Mayo Clinic Laboratories, Mayo Clinic
Classification: Likely benign. Last evaluated: 2025-11-21. Review status: criteria provided, single submitter. Criteria: ACMG Guidelines, 2015. Collection method: clinical testing. Allele origin: germline. Observed: 3 variant alleles.
Comment: BP4, BP7

Women's Health and Genetics/Laboratory Corporation of America, LabCorp
Classification: Likely benign. Last evaluated: 2025-02-11. Review status: criteria provided, single submitter. Criteria: LabCorp Variant Classification Summary - May 2015. Collection method: clinical testing. Allele origin: germline.

Blueprint Genetics
Classification: Likely benign. Last evaluated: 2024-09-13. Review status: criteria provided, single submitter. Criteria: ACMG Guidelines, 2015. Collection method: clinical testing. Allele origin: germline.

Fulgent Genetics
Classification: Likely benign for Ullrich congenital muscular dystrophy 2; Bethlem myopathy 2. Last evaluated: 2021-12-13. Review status: criteria provided, single submitter. Criteria: ACMG Guidelines, 2015. Collection method: clinical testing. Allele origin: unknown.

GeneDx
Classification: Likely benign. Last evaluated: 2021-10-09. Review status: criteria provided, single submitter. Criteria: GeneDx Variant Classification Process June 2021. Collection method: clinical testing. Allele origin: germline. Affected: yes.

NM_004370.6(COL12A1):c.6120C>T (p.Ser2040=)

Gene: COL12A1 (collagen type XII alpha 1 chain; minus strand). Cytogenetic location: 6q13.
Variant type: single nucleotide variant.
Coding change: c.6120C>T on transcript NM_004370.6 (MANE Select); coding-DNA position 6120, C replaced by T.
Protein change: p.Ser2040=; no amino-acid change (serine 2040 retained).
Molecular consequence: synonymous variant.
Genome position (GRCh38, 1-based): chr6:75,130,181, G>A on the plus strand (C>T on the coding strand, the complement: COL12A1 is on the minus strand). VCF-style: chr6-75130181-G-A. GRCh37 (hg19) VCF-style: chr6-75839897-G-A.
Other names: p.Ser2040=; c.2628C>T, p.Ser876= (NM_080645.3).
Identifiers: ClinVar variation 542523 (VCV000542523.27), dbSNP rs200570792, ClinGen allele CA3892893.
Genomic context (GRCh38, chr6:75,130,181, plus strand): 5'-AGAATAGATGATCCTGTACTGCTGAACTGGCCCATCAGCATGATCCCAGGCTACCGAGAG[G>A]CTATTGGTTGTTTCACCAAAGACTCTCAGGTTCCTTGGTCCACTGCGTGGTACTAAATAA-3'
Protein context (NP_004361.3, residues 2030-2050): NLRVFGETTN[Ser2040=]LSVAWDHADG